The following is an entry in ClinVar:

ClinVar aggregate classification (germline): Benign/Likely benign. Review status: criteria provided, multiple submitters, no conflicts (2 of 4 stars). 3 submissions from 2 submitters: Benign (1); Likely benign (2). Last evaluated 2018-01-12.

Conditions:
Brugada syndrome 5 (BRGDA5). Identifiers: Orphanet 130, Orphanet 871, MedGen C2748541, MONDO:0013015, OMIM 612838.
Generalized epilepsy with febrile seizures plus, type 1 (GEFSP1). Also called: GEFS+, TYPE 1. Identifiers: Orphanet 36387, MedGen C1858672, MONDO:0011416, OMIM 604233.

Allele frequency attached by ClinVar (database versions not stated): gnomAD exomes 0.00030; gnomAD 0.00544 and 0.00572; TOPMed 0.00551; 1000 Genomes Project 0.00759; 1000 Genomes Project 30x 0.00796.
gnomAD v4.1: 878 of 395,560 alleles (0.22%); highest among the groups gnomAD compares: African/African-American, 1.8%; 7 homozygotes.

Submissions (3):

Illumina Laboratory Services, Illumina
Classification: Likely benign for Generalized epilepsy with febrile seizures plus, type 1. Last evaluated: 2018-01-12. Review status: criteria provided, single submitter. Criteria: ICSL Variant Classification Criteria 13 December 2019. Collection method: clinical testing. Allele origin: germline.
Comment: This variant was observed in the ICSL laboratory as part of a predisposition screen in an ostensibly healthy population. It had not been previously curated by ICSL or reported in the Human Gene Mutation Database (HGMD: prior to June 1st, 2018), and was therefore a candidate for classification through an automated scoring system. Utilizing variant allele frequency, disease prevalence and penetrance estimates, and inheritance mode, an automated score was calculated to assess if this variant is too frequent to cause the disease. Based on the score and internal cut-off values, a variant classified as likely benign is not then subjected to further curation. The score for this variant resulted in a classification of likely benign for this disease.

Illumina Laboratory Services, Illumina
Classification: Benign for Brugada syndrome 5. Last evaluated: 2018-01-12. Review status: criteria provided, single submitter. Criteria: ICSL Variant Classification Criteria 13 December 2019. Collection method: clinical testing. Allele origin: germline.
Comment: This variant was observed in the ICSL laboratory as part of a predisposition screen in an ostensibly healthy population. It had not been previously curated by ICSL or reported in the Human Gene Mutation Database (HGMD: prior to June 1st, 2018), and was therefore a candidate for classification through an automated scoring system. Utilizing variant allele frequency, disease prevalence and penetrance estimates, and inheritance mode, an automated score was calculated to assess if this variant is too frequent to cause the disease. Based on the score and internal cut-off values, a variant classified as benign is not then subjected to further curation. The score for this variant resulted in a classification of benign for this disease.

Breakthrough Genomics
Classification: Likely benign. Review status: criteria provided, single submitter. Criteria: ACMG Guidelines, 2015. Collection method: not provided. Allele origin: germline. Inheritance: Autosomal recessive inheritance. Affected: yes.

NM_001037.5(SCN1B):c.-95C>T

Gene: SCN1B (sodium voltage-gated channel beta subunit 1; plus strand). Cytogenetic location: 19q13.11.
Variant type: single nucleotide variant.
Coding change: c.-95C>T on transcript NM_001037.5 (MANE Select); 95 bases upstream of the start codon, C replaced by T.
Molecular consequence: 5 prime UTR variant.
Genome position (GRCh38, 1-based): chr19:35,030,726, C>T. VCF-style: chr19-35030726-C-T. GRCh37 (hg19) VCF-style: chr19-35521630-C-T.
Other names: c.-95C>T (NM_199037.5).
Identifiers: ClinVar variation 328830 (VCV000328830.6), dbSNP rs569134158, ClinGen allele CA10642611.
Genomic context (GRCh38, chr19:35,030,726, plus strand): 5'-CGCCCCCCCTCCTCCCCCCTCGCCGGTCCCAGAGCCGCAGCTGCTGCGCCCGCGCGCTCC[C>T]GGGGACATTCTAACCGCCGCCAGGTCCCGCCGCCTCTCGCCCCGCTATTAATACCGGCGG-3'